The following is an entry in ClinVar:

NM_014804.3(KIAA0753):c.2678C>G (p.Pro893Arg)

Gene: KIAA0753 (KIAA0753; minus strand). Cytogenetic location: 17p13.1.
Variant type: single nucleotide variant.
Coding change: c.2678C>G on transcript NM_014804.3 (MANE Select); coding-DNA position 2678, C replaced by G.
Protein change: p.Pro893Arg; replaces proline 893 with arginine.
Molecular consequence: missense variant. On other transcripts: non-coding transcript variant (3).
Genome position (GRCh38, 1-based): chr17:6,589,887, G>C on the plus strand (C>G on the coding strand, the complement: KIAA0753 is on the minus strand). VCF-style: chr17-6589887-G-C. GRCh37 (hg19) VCF-style: chr17-6493207-G-C.
Other names: c.1781C>G, p.Pro594Arg (NM_001351225.2); short protein forms P594R, P893R.
Identifiers: ClinVar variation 747369 (VCV000747369.17), dbSNP rs112740973, ClinGen allele CA8330076.

ClinVar aggregate classification (germline): Conflicting classifications of pathogenicity. Review status: criteria provided, conflicting classifications (1 of 4 stars). 4 submissions from 4 submitters: Uncertain significance (1); Likely benign (3). Last evaluated 2025-12-08.

Conditions:
Inborn genetic diseases. Identifiers: MedGen C0950123, MeSH D030342.

Allele frequency attached by ClinVar (database versions not stated): 1000 Genomes Project 0.00040; 1000 Genomes Project 30x 0.00047; ESP Exome Variant Server 0.00092; TOPMed 0.00115.
gnomAD v4.1: 373 of 1,613,762 alleles (0.023%); highest among the groups gnomAD compares: African/African-American, 0.4%; 2 homozygotes.

Submissions (4):

Labcorp Genetics (formerly Invitae), Labcorp
Classification: Likely benign. Last evaluated: 2025-12-08. Review status: criteria provided, single submitter. Criteria: Invitae Variant Classification Sherloc (09022015). Collection method: clinical testing. Allele origin: germline.

GeneDx
Classification: Uncertain significance. Last evaluated: 2024-11-11. Review status: criteria provided, single submitter. Criteria: GeneDx Variant Classification Process June 2021. Collection method: clinical testing. Allele origin: germline. Affected: yes.
Comment: In silico analysis indicates that this missense variant does not alter protein structure/function; Has not been previously published as pathogenic or benign to our knowledge

Blueprint Genetics
Classification: Likely benign. Last evaluated: 2024-09-15. Review status: criteria provided, single submitter. Criteria: ACMG Guidelines, 2015. Collection method: clinical testing. Allele origin: germline.

Ambry Genetics
Classification: Likely benign for Inborn genetic diseases. Last evaluated: 2023-04-07. Review status: criteria provided, single submitter. Criteria: Ambry Variant Classification Scheme 2023. Collection method: clinical testing. Allele origin: germline.